The following is an entry in ClinVar:

NM_003590.5(CUL3):c.24G>C (p.Thr8=)

Genes: CUL3 (cullin 3; minus strand), LOC129935709 (ATAC-STARR-seq lymphoblastoid silent region 12382; plus strand). Cytogenetic location: 2q36.2.
Variant type: single nucleotide variant.
Coding change: c.24G>C on transcript NM_003590.5 (MANE Select); coding-DNA position 24, G replaced by C.
Protein change: p.Thr8=; no amino-acid change (threonine 8 retained).
Molecular consequence: synonymous variant.
Genome position (GRCh38, 1-based): chr2:224,584,986, C>G on the plus strand (G>C on the coding strand, the complement: CUL3 is on the minus strand). VCF-style: chr2-224584986-C-G. GRCh37 (hg19) VCF-style: chr2-225449703-C-G.
Other names: c.24G>C, p.Thr8= (NM_001257197.2).
Identifiers: ClinVar variation 2184988 (VCV002184988.28), dbSNP rs139996986, ClinGen allele CA2140346.

ClinVar aggregate classification (germline): Likely benign. Review status: criteria provided, multiple submitters, no conflicts (2 of 4 stars). 2 submissions from 2 submitters: Likely benign (2). Last evaluated 2024-04-22.

Allele frequency attached by ClinVar (database versions not stated): ESP Exome Variant Server 0.00015; TOPMed 0.00007.
gnomAD v4.1: 121 of 1,508,056 alleles (0.008%); highest among the groups gnomAD compares: Middle Eastern, 0.018%; no homozygotes.

Submissions (2):

Labcorp Genetics (formerly Invitae), Labcorp
Classification: Likely benign. Last evaluated: 2024-04-22. Review status: criteria provided, single submitter. Criteria: Invitae Variant Classification Sherloc (09022015). Collection method: clinical testing. Allele origin: germline.

CeGaT Center for Human Genetics Tuebingen
Classification: Likely benign. Last evaluated: 2024-04-01. Review status: criteria provided, single submitter. Criteria: CeGaT Center For Human Genetics Tuebingen Variant Classification Criteria Version 2. Collection method: clinical testing. Allele origin: germline. Affected: yes. Observed: 2 variant alleles.
Comment: CUL3: BP4, BP7